The following is an entry in ClinVar:

NM_000257.4(MYH7):c.2249A>G (p.Asp750Gly)

Gene: MYH7 (myosin heavy chain 7; minus strand). Cytogenetic location: 14q11.2.
Variant type: single nucleotide variant.
Coding change: c.2249A>G on transcript NM_000257.4 (MANE Select); coding-DNA position 2249, A replaced by G.
Protein change: p.Asp750Gly; replaces aspartic acid 750 with glycine.
Molecular consequence: missense variant.
Genome position (GRCh38, 1-based): chr14:23,425,732, T>C on the plus strand (A>G on the coding strand, the complement: MYH7 is on the minus strand). VCF-style: chr14-23425732-T-C. GRCh37 (hg19) VCF-style: chr14-23894941-T-C.
Other names: c.2249A>G, p.Asp750Gly (NM_001407004.1); short protein forms D750G.
Identifiers: ClinVar variation 3895211 (VCV003895211.1).
Genomic context (GRCh38, chr14:23,425,732, plus strand): 5'-ATTAATTAGTCTCCTTTCCTCACCTTGGTGTGGCCAAACTTGTACTGGTTGTGATCAATG[T>C]CCAGGGAGCTGAGCAGCTTCTCTGCCCCCTTCCTGCTATCAATGAACTGTCCCTCAGGGA-3'
Protein context (NP_000248.2, residues 740-760): KGAEKLLSSL[Asp750Gly]IDHNQYKFGH

ClinVar aggregate classification (germline): Uncertain significance (1 of 4 stars; one submission).

Conditions:
Cardiovascular phenotype. Identifiers: MedGen CN230736.

gnomAD v4.1: 2 of 1,614,030 alleles (0.00012%); highest among the groups gnomAD compares: South Asian, 0.0022%; no homozygotes.

Submission:

Molecular Diagnostic Laboratory for Inherited Cardiovascular Disease, Montreal Heart Institute
Classification: Uncertain significance for Cardiovascular phenotype. Last evaluated: 2025-04-09. Review status: criteria provided, single submitter. Criteria: ACMG Guidelines, 2015. Collection method: clinical testing. Allele origin: germline. Affected: yes.
Comment: PM1, PM2, PP3